The following is an entry in ClinVar:

NM_001348716.2(KDM6B):c.4166G>A (p.Gly1389Asp)

Genes: KDM6B (lysine demethylase 6B; plus strand), LOC121587574 (Sharpr-MPRA regulatory region 3930; plus strand). Cytogenetic location: 17p13.1.
Variant type: single nucleotide variant.
Coding change: c.4166G>A on transcript NM_001348716.2 (MANE Select); coding-DNA position 4166, G replaced by A.
Protein change: p.Gly1389Asp; replaces glycine 1389 with aspartic acid.
Molecular consequence: missense variant.
Genome position (GRCh38, 1-based): chr17:7,851,951, G>A. VCF-style: chr17-7851951-G-A. GRCh37 (hg19) VCF-style: chr17-7755269-G-A.
Other names: c.4166G>A, p.Gly1389Asp (NM_001080424.2); short protein forms G1389D.
Identifiers: ClinVar variation 4292013 (VCV004292013.1).

ClinVar aggregate classification (germline): Uncertain significance (1 of 4 stars; one submission).

Conditions:
Neurodevelopmental disorder with coarse facies and mild distal skeletal abnormalities. Also called: STOLERMAN NEURODEVELOPMENTAL SYNDROME. Identifiers: MedGen C5193134, MONDO:0032790, OMIM 618505.

Submission:

3billion
Classification: Uncertain significance for Neurodevelopmental disorder with coarse facies and mild distal skeletal abnormalities. Last evaluated: 2024-11-25. Review status: criteria provided, single submitter. Criteria: ACMG Guidelines, 2015. Collection method: clinical testing. Allele origin: germline. Affected: yes.
Comment: The variant is not observed in the gnomAD v4.1.0 dataset. Predicted Consequence/Location: Missense variant. The majority of the known disease-causing variants of this gene are variants expected to result in premature termination of the protein. In silico tool predictions suggest damaging effect of the variant on gene or gene product [REVEL: 0.77 (>=0.6, sensitivity 0.68 and specificity 0.92); 3Cnet: 0.97 (>=0.6, sensitivity 0.72 and precision 0.9)]. A different missense change at the same codon (p.Gly1389Cys) has been reported to be associated with KDM6B related disorder (ClinVar ID: VCV003337214). Therefore, this variant is classified as VUS according to the recommendation of ACMG/AMP guideline.